The following is an entry in ClinVar:

ClinVar aggregate classification (germline): Conflicting classifications of pathogenicity. Review status: criteria provided, conflicting classifications (1 of 4 stars). 5 submissions from 5 submitters: Uncertain significance (3); Likely benign (2). Last evaluated 2025-10-27.

Conditions:
Hereditary cancer-predisposing syndrome. Also called: Tumor predisposition; Neoplastic Syndromes, Hereditary; Hereditary Cancer Syndrome; Hereditary neoplastic syndrome. Identifiers: Orphanet 140162, MedGen C0027672, MeSH D009386, MONDO:0015356.
Ataxia-telangiectasia-like disorder (ATLD). Identifiers: MedGen C1858391, MONDO:0011457.
Ataxia-telangiectasia-like disorder 1 (ATLD1). Identifiers: Orphanet 251347, MedGen C4012790, MONDO:0024557, OMIM 604391.

Allele frequency attached by ClinVar (database versions not stated): ExAC 0.00003; gnomAD 0.00003 and 0.00004; gnomAD exomes 0.00003 and 0.00004; TOPMed 0.00003.
gnomAD v4.1: 47 of 1,611,056 alleles (0.0029%); highest among the groups gnomAD compares: Non-Finnish European, 0.0038%; no homozygotes.

Submissions (5):

Labcorp Genetics (formerly Invitae), Labcorp
Classification: Likely benign for Ataxia-telangiectasia-like disorder. Last evaluated: 2025-10-27. Review status: criteria provided, single submitter. Criteria: Invitae Variant Classification Sherloc (09022015). Collection method: clinical testing. Allele origin: germline.

Blueprint Genetics
Classification: Likely benign. Last evaluated: 2024-01-31. Review status: criteria provided, single submitter. Criteria: ACMG Guidelines, 2015. Collection method: clinical testing. Allele origin: germline.

Sema4
Classification: Uncertain significance for Hereditary cancer-predisposing syndrome. Last evaluated: 2021-11-27. Review status: criteria provided, single submitter. Criteria: Sema4 Curation Guidelines. Collection method: curation. Allele origin: germline.
Comment: The MRE11 c.1783+7A>G variant has been reported in heterozygosity in at least one individual undergoing genetic testing for a personal and/or family history of cancer (PMID: 31159747). It was observed in 9/113694 chromosomes of the Non-Finnish European subpopulation, with one homozygote, in the large and broad cohorts of the Genome Aggregation Database (PMID: 32461654). The variant has been reported in ClinVar (Variation ID: 220059). Splice site prediction tools suggest the variant does not disrupt normal splicing, however these predictions have not been confirmed by transcriptional studies. The evidence is insufficient to meet ACMG/AMP criteria for classifying the variant as benign or pathogenic. Thus, the clinical significance of this variant is currently uncertain.

GeneKor MSA
Classification: Uncertain significance for Hereditary cancer-predisposing syndrome. Last evaluated: 2018-08-01. Review status: criteria provided, single submitter. Criteria: ACMG Guidelines, 2015. Collection method: clinical testing. Allele origin: germline.

Illumina Laboratory Services, Illumina
Classification: Uncertain significance for Ataxia-telangiectasia-like disorder 1. Last evaluated: 2018-01-13. Review status: criteria provided, single submitter. Criteria: ICSL Variant Classification Criteria 13 December 2019. Collection method: clinical testing. Allele origin: germline.

Literature cited by the submitters: PubMed 31159747 (cited by Sema4).

NM_005591.4(MRE11):c.1783+7A>G

Gene: MRE11 (MRE11 double strand break repair nuclease; minus strand). Cytogenetic location: 11q21.
Variant type: single nucleotide variant.
Coding change: c.1783+7A>G on transcript NM_005591.4 (MANE Select); 7 bases into the intron after coding-DNA position 1783, A replaced by G.
Molecular consequence: intron variant.
Genome position (GRCh38, 1-based): chr11:94,447,212, T>C on the plus strand (A>G on the coding strand, the complement: MRE11 is on the minus strand). VCF-style: chr11-94447212-T-C. GRCh37 (hg19) VCF-style: chr11-94180378-T-C.
Other names: c.1783+7A>G (NM_001330347.2, NM_005590.4).
Identifiers: ClinVar variation 220059 (VCV000220059.17), dbSNP rs774520952, ClinGen allele CA350748.